The following is an entry in ClinVar:

ClinVar aggregate classification (germline): Likely pathogenic (1 of 4 stars; one submission).

Conditions:
Glycogen storage disease, type II (IOPD). Also called: Glucosidase acid-1,4-alpha deficiency; Pompe Disease; CARDIOMEGALIA GLYCOGENICA DIFFUSA; Glycogen storage disease type 2; Acid maltase deficiency disease; Aglucosidase alfa. Identifiers: Orphanet 365, MedGen C0017921, MONDO:0009290, OMIM 232300.

Submission:

Natera, Inc.
Classification: Likely pathogenic for Glycogen storage disease type II. Last evaluated: 2024-03-06. Review status: criteria provided, single submitter. Criteria: Natera Variant Classification Schema (03/2026). Collection method: clinical testing. Allele origin: germline.
Comment: The c.344_345delAG variant in GAA is a frameshift variant predicted to shift the reading frame beginning at codon 115 and leads to a stop codon 30 codons downstream. This variant is expected to result in nonsense mediated decay, truncation, or a dysfunctional protein product. This variant is rare in the general population with a frequency below the threshold expected for the associated phenotype(s). Given the available evidence, this variant is classified as Likely Pathogenic.

NM_000152.5(GAA):c.344_345del (p.Gln115fs)

Gene: GAA (alpha glucosidase; plus strand). Cytogenetic location: 17q25.3.
Variant type: Deletion.
Coding change: c.344_345del on transcript NM_000152.5 (MANE Select); coding-DNA positions 344 to 345, 2 bases deleted (AG; older notation c.344_345delAG).
Protein change: p.Gln115fs; shifts the reading frame from glutamine 115.
Molecular consequence: frameshift variant.
Genome position (GRCh38, 1-based): chr17:80,104,930-80,104,931, AG deleted. VCF-style (leftmost placement, unchanged base first): chr17-80104929-CAG-C. GRCh37 (hg19) VCF-style: chr17-78078728-CAG-C.
Other names: c.344_345del, p.Gln115fs (NM_001079803.3, NM_001079804.3, NM_001406741.1 and 1 more transcripts); short protein forms Q115fs.
Identifiers: ClinVar variation 4817591 (VCV004817591.1).
Genomic context (GRCh38, chr17:80,104,929, plus strand): 5'-GACAAGGCCATCACCCAGGAACAGTGCGAGGCCCGCGGCTGTTGCTACATCCCTGCAAAG[CAG>C]GGGCTGCAGGGAGCCCAGATGGGGCAGCCCTGGTGCTTCTTCCCACCCAGCTACCCCAGC-3'